The following is an entry in ClinVar:

NM_138927.4(SON):c.1520C>G (p.Pro507Arg)

Gene: SON (SON DNA and RNA binding protein; plus strand). Cytogenetic location: 21q22.11.
Variant type: single nucleotide variant.
Coding change: c.1520C>G on transcript NM_138927.4 (MANE Select); coding-DNA position 1520, C replaced by G.
Protein change: p.Pro507Arg; replaces proline 507 with arginine.
Molecular consequence: missense variant. On other transcripts: non-coding transcript variant (1), intron variant (1).
Genome position (GRCh38, 1-based): chr21:33,550,751, C>G. VCF-style: chr21-33550751-C-G. GRCh37 (hg19) VCF-style: chr21-34923057-C-G.
Other names: p.Pro507Arg; c.1520C>G, p.Pro507Arg (NM_001291411.2, NM_001412133.1, NM_032195.3 and 2 more transcripts); c.244+4372C>G (NM_001291412.3); short protein forms P507R.
Identifiers: ClinVar variation 3248568 (VCV003248568.2), dbSNP rs761928315.

ClinVar aggregate classification (germline): Uncertain significance (1 of 4 stars; one submission).

Conditions:
ZTTK syndrome (ZTTKS). Also called: Zhu-Tokita-Takenouchi-Kim Syndrome; ZTTK MULTIPLE CONGENITAL ANOMALIES-MENTAL RETARDATION SYNDROME. Identifiers: Orphanet 500150, MedGen C4310696, MONDO:0014936, OMIM 617140.

Allele frequency attached by ClinVar (database versions not stated): gnomAD exomes below 0.00001; ExAC 0.00001.
gnomAD v4.1: 2 of 1,614,146 alleles (0.00012%); highest among the groups gnomAD compares: East Asian, 0.0022%; no homozygotes.

Submission:

Foundation for Research in Genetics and Endocrinology, FRIGE's Institute of Human Genetics
Classification: Uncertain significance for ZTTK syndrome. Last evaluated: 2024-06-22. Review status: criteria provided, single submitter. Criteria: ACMG Guidelines, 2015. Collection method: clinical testing. Allele origin: germline. Inheritance: Autosomal dominant inheritance. Affected: yes. Observed: 1 heterozygote.
Comment: A heterozygous missense variation in exon 3 of the SON gene that results in the amino acid substitution of Arginine for Proline at codon 507 was detected. The observed variant c.1520C>G (p.Pro507Arg) has not been reported in the 1000 genomes, gnomAD (v3.1), gnomAD (v2.1) and topmed databases. The in silico prediction of the variant are probably damaging by PolyPhen-2 and damaging by SIFT and LRT. The reference codon is conserved across species. In summary, the variant meets our criteria to be classified as a variant of uncertain significance.